The following is an entry in ClinVar:

NM_001555.5(IGSF1):c.1614G>A (p.Trp538Ter)

Gene: IGSF1 (immunoglobulin superfamily member 1; minus strand). Cytogenetic location: Xq26.1.
Variant type: single nucleotide variant.
Coding change: c.1614G>A on transcript NM_001555.5 (MANE Select); coding-DNA position 1614, G replaced by A.
Protein change: p.Trp538Ter; replaces tryptophan 538 with a stop codon.
Molecular consequence: nonsense.
Genome position (GRCh38, 1-based): chrX:131,281,250, C>T on the plus strand (G>A on the coding strand, the complement: IGSF1 is on the minus strand). VCF-style: chrX-131281250-C-T. GRCh37 (hg19) VCF-style: chrX-130415224-C-T.
Other names: c.1614G>A, p.Trp538Ter (NM_001170961.2); c.1587G>A, p.Trp529Ter (NM_001170962.2); short protein forms W538*, W529*.
Identifiers: ClinVar variation 2585310 (VCV002585310.1), dbSNP rs2522246692, ClinGen allele CA414572254.
Genomic context (GRCh38, chrX:131,281,250, plus strand): 5'-GAACAGGGGGCTGGGACAAGACAGTTACCTGATTCTGAGTCTCCGACACTTCCACCTTAT[C>T]CACAGCACTACCAACAGCAAGGCAACAAGCTGCATGATTAGAGACAACCTGATAGCTTCA-3'

ClinVar aggregate classification (germline): Likely pathogenic (1 of 4 stars; one submission).

Conditions:
X-linked central congenital hypothyroidism with late-onset testicular enlargement. Also called: Hypothyroidism, central, and testicular enlargement; HYPOTHYROIDISM, CENTRAL, WITH TESTICULAR ENLARGEMENT. Identifiers: Orphanet 329235, MedGen C3550963, MONDO:0010475, OMIM 300888.

Submission:

Neuberg Centre For Genomic Medicine, NCGM
Classification: Likely pathogenic for X-linked central congenital hypothyroidism with late-onset testicular enlargement. Review status: criteria provided, single submitter. Criteria: ACMG Guidelines, 2015. Collection method: clinical testing. Allele origin: germline. Inheritance: X-linked inheritance. Affected: yes.
Comment: The stop gained variant has not been reported previously as a pathogenic variant nor as a benign variant, to our knowledge. This variant is novel (not in any individuals) in gnomAD Exomes and 1000 Genomes. This variant is predicted to cause loss of normal protein function through protein truncation. Loss of function variants have been previously reported to be disease causing. For these reasons, this variant has been classified as Likely Pathogenic.